The following is an entry in ClinVar:

ClinVar aggregate classification (germline): Uncertain significance (1 of 4 stars; one submission).

Conditions:
Early Myoclonic Encephalopathy. Identifiers: MedGen C0270855.

Submission:

Labcorp Genetics (formerly Invitae), Labcorp
Classification: Uncertain significance for Early Myoclonic Encephalopathy. Last evaluated: 2018-05-06. Review status: criteria provided, single submitter. Criteria: Invitae Variant Classification Sherloc (09022015). Collection method: clinical testing. Allele origin: germline.
Comment: In summary, the available evidence is currently insufficient to determine the role of this variant in disease. Therefore, it has been classified as a Variant of Uncertain Significance. Algorithms developed to predict the effect of missense changes on protein structure and function do not agree on the potential impact of this missense change (SIFT: "Deleterious"; PolyPhen-2: "Benign"; Align-GVGD: "Class C0"). This variant has not been reported in the literature in individuals with JMJD1C-related disease. This variant is not present in population databases (ExAC no frequency). This sequence change replaces methionine with arginine at codon 364 of the JMJD1C protein (p.Met364Arg). The methionine residue is weakly conserved and there is a moderate physicochemical difference between methionine and arginine.

NM_032776.3(JMJD1C):c.1091T>G (p.Met364Arg)

Gene: JMJD1C (jumonji domain containing 1C; minus strand). Cytogenetic location: 10q21.3.
Variant type: single nucleotide variant.
Coding change: c.1091T>G on transcript NM_032776.3 (MANE Select); coding-DNA position 1091, T replaced by G.
Protein change: p.Met364Arg; replaces methionine 364 with arginine.
Molecular consequence: missense variant. On other transcripts: non-coding transcript variant (1).
Genome position (GRCh38, 1-based): chr10:63,215,076, A>C on the plus strand (T>G on the coding strand, the complement: JMJD1C is on the minus strand). VCF-style: chr10-63215076-A-C. GRCh37 (hg19) VCF-style: chr10-64974836-A-C.
Other names: c.545T>G, p.Met182Arg (NM_001282948.2, NM_001318154.2); c.227T>G, p.Met76Arg (NM_001318153.2); c.977T>G, p.Met326Arg (NM_001322252.2); c.434T>G, p.Met145Arg (NM_001322254.2, NM_001322258.2); short protein forms M182R, M76R, M145R, M326R, M364R.
Identifiers: ClinVar variation 978524 (VCV000978524.8), dbSNP rs1373422263, ClinGen allele CA377050576.